The following is an entry in ClinVar:

ClinVar aggregate classification (germline): Uncertain significance (1 of 4 stars; one submission).

Conditions:
Inborn genetic diseases. Identifiers: MedGen C0950123, MeSH D030342.

Submission:

Ambry Genetics
Classification: Uncertain significance for Inborn genetic diseases. Last evaluated: 2025-06-02. Review status: criteria provided, single submitter. Criteria: Ambry Variant Classification Scheme 2023. Collection method: clinical testing. Allele origin: germline.
Comment: The p.E51G variant (also known as c.152A>G), located in coding exon 1 of the SH2B3 gene, results from an A to G substitution at nucleotide position 152. The glutamic acid at codon 51 is replaced by glycine, an amino acid with similar properties. This amino acid position is conserved. In addition, this alteration is predicted to be tolerated by in silico analysis. Based on the available evidence, the clinical significance of this variant remains unclear.

NM_005475.3(SH2B3):c.152A>G (p.Glu51Gly)

Gene: SH2B3 (SH2B adaptor protein 3; plus strand). Cytogenetic location: 12q24.12.
Variant type: single nucleotide variant.
Coding change: c.152A>G on transcript NM_005475.3 (MANE Select); coding-DNA position 152, A replaced by G.
Protein change: p.Glu51Gly; replaces glutamic acid 51 with glycine.
Molecular consequence: missense variant.
Genome position (GRCh38, 1-based): chr12:111,418,297, A>G. VCF-style: chr12-111418297-A-G. GRCh37 (hg19) VCF-style: chr12-111856101-A-G.
Other names: short protein forms E51G.
Identifiers: ClinVar variation 3953550 (VCV003953550.1).